The following is an entry in ClinVar:

NM_015557.3(CHD5):c.618G>A (p.Ala206=)

Gene: CHD5 (chromodomain helicase DNA binding protein 5; minus strand). Cytogenetic location: 1p36.31.
Variant type: single nucleotide variant.
Coding change: c.618G>A on transcript NM_015557.3 (MANE Select); coding-DNA position 618, G replaced by A.
Protein change: p.Ala206=; no amino-acid change (alanine 206 retained).
Molecular consequence: synonymous variant.
Genome position (GRCh38, 1-based): chr1:6,154,787, C>T on the plus strand (G>A on the coding strand, the complement: CHD5 is on the minus strand). VCF-style: chr1-6154787-C-T. GRCh37 (hg19) VCF-style: chr1-6214847-C-T.
Identifiers: ClinVar variation 749291 (VCV000749291.7), dbSNP rs140173347, ClinGen allele CA557315.
Genomic context (GRCh38, chr1:6,154,787, plus strand): 5'-TAGCGGAGGGGAGATGGTGACCGTCTCTACAGCCGCAGCCACCGCCGCCGCCGCTGCTGC[C>T]GCGGAGCTGCCCTTGAAGGGGTTGTTGGCGCTGAACTCCCGCCACTTGGCACCCAGGACG-3'
Protein context (NP_056372.1, residues 196-216): SANNPFKGSS[Ala206=]AAAAAAVAAA

ClinVar aggregate classification (germline): Likely benign. Review status: criteria provided, multiple submitters, no conflicts (2 of 4 stars). 2 submissions from 2 submitters: Likely benign (2). Last evaluated 2026-03-01.

Allele frequency attached by ClinVar (database versions not stated): ExAC 0.00010; gnomAD 0.00011 and 0.00012; gnomAD exomes 0.00012; TOPMed 0.00018; ESP Exome Variant Server 0.00023.
gnomAD v4.1: 198 of 1,613,394 alleles (0.012%); highest among the groups gnomAD compares: Middle Eastern, 0.066%; no homozygotes.

Submissions (2):

CeGaT Center for Human Genetics Tuebingen
Classification: Likely benign. Last evaluated: 2026-03-01. Review status: criteria provided, single submitter. Criteria: CeGaT Center For Human Genetics Tuebingen Variant Classification Criteria Version 2. Collection method: clinical testing. Allele origin: germline. Affected: yes. Observed: 1 variant allele.
Comment: CHD5: BP4, BP7

Labcorp Genetics (formerly Invitae), Labcorp
Classification: Likely benign. Last evaluated: 2018-06-06. Review status: criteria provided, single submitter. Criteria: Invitae Variant Classification Sherloc (09022015). Collection method: clinical testing. Allele origin: germline.